The following is an entry in ClinVar:

NM_001379200.1(TBX1):c.818T>G (p.Val273Gly)

Gene: TBX1 (T-box transcription factor 1; plus strand). Cytogenetic location: 22q11.21.
Variant type: single nucleotide variant.
Coding change: c.818T>G on transcript NM_001379200.1 (MANE Select); coding-DNA position 818, T replaced by G.
Protein change: p.Val273Gly; replaces valine 273 with glycine.
Molecular consequence: missense variant.
Genome position (GRCh38, 1-based): chr22:19,765,064, T>G. VCF-style: chr22-19765064-T-G. GRCh37 (hg19) VCF-style: chr22-19752587-T-G.
Other names: c.791T>G, p.Val264Gly (NM_005992.1, NM_080646.2, NM_080647.1); short protein forms V264G, V273G.
Identifiers: ClinVar variation 3705660 (VCV003705660.2).

ClinVar aggregate classification (germline): Uncertain significance (1 of 4 stars; one submission).

Conditions:
DiGeorge syndrome. Also called: Catch22; THIRD AND FOURTH PHARYNGEAL POUCH SYNDROME. Identifiers: Orphanet 567, MedGen C0012236, MONDO:0008564, OMIM 188400.

Submission:

Labcorp Genetics (formerly Invitae), Labcorp
Classification: Uncertain significance for DiGeorge syndrome. Last evaluated: 2024-09-09. Review status: criteria provided, single submitter. Criteria: Invitae Variant Classification Sherloc (09022015). Collection method: clinical testing. Allele origin: germline.
Comment: This sequence change replaces valine, which is neutral and non-polar, with glycine, which is neutral and non-polar, at codon 264 of the TBX1 protein (p.Val264Gly). This variant is not present in population databases (gnomAD no frequency). This variant has not been reported in the literature in individuals affected with TBX1-related conditions. Invitae Evidence Modeling of protein sequence and biophysical properties (such as structural, functional, and spatial information, amino acid conservation, physicochemical variation, residue mobility, and thermodynamic stability) indicates that this missense variant is not expected to disrupt TBX1 protein function with a negative predictive value of 80%. In summary, the available evidence is currently insufficient to determine the role of this variant in disease. Therefore, it has been classified as a Variant of Uncertain Significance.